The following is an entry in ClinVar:

NM_206933.4(USH2A):c.10939+2T>G

Gene: USH2A (usherin; minus strand). Cytogenetic location: 1q41.
Variant type: single nucleotide variant.
Coding change: c.10939+2T>G on transcript NM_206933.4 (MANE Select); the canonical splice donor site of the intron after coding-DNA position 10939, T replaced by G.
Molecular consequence: splice donor variant.
Genome position (GRCh38, 1-based): chr1:215,779,841, A>C on the plus strand (T>G on the coding strand, the complement: USH2A is on the minus strand). VCF-style: chr1-215779841-A-C. GRCh37 (hg19) VCF-style: chr1-215953183-A-C.
Identifiers: ClinVar variation 2038728 (VCV002038728.5), dbSNP rs1661573417, ClinGen allele CA344832941.

ClinVar aggregate classification (germline): Pathogenic/Likely pathogenic. Review status: criteria provided, multiple submitters, no conflicts (2 of 4 stars). 2 submissions from 2 submitters: Pathogenic (1); Likely pathogenic (1). Last evaluated 2024-02-13.

Conditions:
Usher syndrome type 2A. Also called: RETINAL DISEASE IN USHER SYNDROME TYPE IIA, MODIFIER OF; USHER SYNDROME, TYPE IIA. Identifiers: Orphanet 231178, Orphanet 886, MedGen C1848634, MONDO:0010169, OMIM 276901.
Retinitis pigmentosa 39 (RP39). Identifiers: Orphanet 791, MedGen C3151138, MONDO:0013436, OMIM 613809.

Submissions (2):

Fulgent Genetics
Classification: Likely pathogenic for Usher syndrome type 2A; Retinitis pigmentosa 39. Last evaluated: 2024-02-13. Review status: criteria provided, single submitter. Criteria: ACMG Guidelines, 2015. Collection method: clinical testing. Allele origin: germline.

Labcorp Genetics (formerly Invitae), Labcorp
Classification: Pathogenic. Last evaluated: 2023-08-04. Review status: criteria provided, single submitter. Criteria: Invitae Variant Classification Sherloc (09022015). Collection method: clinical testing. Allele origin: germline.
Comment: Disruption of this splice site has been observed in individual(s) with clinical features of Usher syndrome (Invitae). For these reasons, this variant has been classified as Pathogenic. Algorithms developed to predict the effect of sequence changes on RNA splicing suggest that this variant may disrupt the consensus splice site. ClinVar contains an entry for this variant (Variation ID: 2038728). This variant is not present in population databases (gnomAD no frequency). This sequence change affects a donor splice site in intron 55 of the USH2A gene. It is expected to disrupt RNA splicing. Variants that disrupt the donor or acceptor splice site typically lead to a loss of protein function (PMID: 16199547), and loss-of-function variants in USH2A are known to be pathogenic (PMID: 10729113, 10909849, 20507924, 25649381).

Literature cited by the submitters: PubMed 16199547 (cited by Labcorp Genetics (formerly Invitae), Labcorp); PubMed 10729113 (cited by Labcorp Genetics (formerly Invitae), Labcorp); PubMed 10909849 (cited by Labcorp Genetics (formerly Invitae), Labcorp); PubMed 20507924 (cited by Labcorp Genetics (formerly Invitae), Labcorp); PubMed 25649381 (cited by Labcorp Genetics (formerly Invitae), Labcorp).